The following is an entry in ClinVar:

ClinVar aggregate classification (germline): Likely benign. Review status: criteria provided, multiple submitters, no conflicts (2 of 4 stars). 2 submissions from 2 submitters: Likely benign (2). Last evaluated 2025-12-10.

Conditions:
Nemaline myopathy 2 (NEM2). Also called: Nemaline myopathy 2, autosomal recessive. Identifiers: MedGen C1850569, MONDO:0009725, OMIM 256030.

Submissions (2):

Labcorp Genetics (formerly Invitae), Labcorp
Classification: Likely benign for Nemaline myopathy 2. Last evaluated: 2025-12-10. Review status: criteria provided, single submitter. Criteria: Invitae Variant Classification Sherloc (09022015). Collection method: clinical testing. Allele origin: germline.

GeneDx
Classification: Likely benign. Last evaluated: 2017-09-12. Review status: criteria provided, single submitter. Criteria: GeneDx Variant Classification (06012015). Collection method: clinical testing. Allele origin: germline. Affected: yes.
Comment: This variant is considered likely benign or benign based on one or more of the following criteria: it is a conservative change, it occurs at a poorly conserved position in the protein, it is predicted to be benign by multiple in silico algorithms, and/or has population frequency not consistent with disease.

NM_001164508.2(NEB):c.2523+10_2523+17del

Gene: NEB (nebulin; minus strand). Cytogenetic location: 2q23.3.
Variant type: Deletion.
Coding change: c.2523+10_2523+17del on transcript NM_001164508.2 (MANE Select); bases 10 to 17 of the intron after coding-DNA position 2523, 8 bases deleted (GCCTGGGG; older notation c.2523+10_2523+17delGCCTGGGG).
Molecular consequence: intron variant.
Genome position (GRCh38, 1-based): chr2:151,687,609-151,687,616, CCCCAGGC deleted on the plus strand (GCCTGGGG on the coding strand, the reverse complement: NEB is on the minus strand); deleting any 8 consecutive bases within chr2:151,687,609-151,687,617 gives the same sequence; the c. name uses the placement nearest the transcript's 3' end. VCF-style (leftmost placement, unchanged base first): chr2-151687608-TCCCCAGGC-T. GRCh37 (hg19) VCF-style: chr2-152544122-TCCCCAGGC-T.
Other names: c.2523+10_2523+17del (NM_004543.5, NM_001164507.2, NM_001271208.2); c.2523+10_2523+17delGCCTGGGG (NM_001271208.1).
Identifiers: ClinVar variation 511960 (VCV000511960.9), dbSNP rs1553564544, ClinGen allele CA658795892.